The following is an entry in ClinVar:

NM_006231.4(POLE):c.1590C>T (p.Asp530=)

Gene: POLE (DNA polymerase epsilon, catalytic subunit; minus strand). Cytogenetic location: 12q24.33.
Variant type: single nucleotide variant.
Coding change: c.1590C>T on transcript NM_006231.4 (MANE Select); coding-DNA position 1590, C replaced by T.
Protein change: p.Asp530=; no amino-acid change (aspartic acid 530 retained).
Molecular consequence: synonymous variant.
Genome position (GRCh38, 1-based): chr12:132,672,723, G>A on the plus strand (C>T on the coding strand, the complement: POLE is on the minus strand). VCF-style: chr12-132672723-G-A. GRCh37 (hg19) VCF-style: chr12-133249309-G-A.
Identifiers: ClinVar variation 382554 (VCV000382554.46), dbSNP rs1040269464, ClinGen allele CA16607160.

ClinVar aggregate classification (germline): Benign/Likely benign. Review status: criteria provided, multiple submitters, no conflicts (2 of 4 stars). 8 submissions from 8 submitters: Benign (1); Likely benign (7). Last evaluated 2025-08-22.

Conditions:
Hereditary cancer-predisposing syndrome. Also called: Neoplastic Syndromes, Hereditary; Hereditary neoplastic syndrome; Tumor predisposition; Hereditary Cancer Syndrome. Identifiers: Orphanet 140162, MedGen C0027672, MeSH D009386, MONDO:0015356.

Allele frequency attached by ClinVar (database versions not stated): TOPMed 0.00002; gnomAD exomes 0.00002; gnomAD 0.00011.
gnomAD v4.1: 43 of 1,614,142 alleles (0.0027%); highest among the groups gnomAD compares: African/African-American, 0.0053%; no homozygotes.

Submissions (8):

Labcorp Genetics (formerly Invitae), Labcorp
Classification: Likely benign. Last evaluated: 2025-08-22. Review status: criteria provided, single submitter. Criteria: Invitae Variant Classification Sherloc (09022015). Collection method: clinical testing. Allele origin: germline.

Laboratory of Genetics, Children's Clinical University Hospital Latvia
Classification: Benign. Last evaluated: 2025-02-16. Review status: criteria provided, single submitter. Criteria: ACMG Guidelines, 2015. Collection method: clinical testing. Allele origin: germline. Affected: yes.

CeGaT Center for Human Genetics Tuebingen
Classification: Likely benign. Last evaluated: 2024-08-01. Review status: criteria provided, single submitter. Criteria: CeGaT Center For Human Genetics Tuebingen Variant Classification Criteria Version 2. Collection method: clinical testing. Allele origin: germline. Affected: yes. Observed: 2 variant alleles.
Comment: POLE: BP4, BP7

Blueprint Genetics
Classification: Likely benign. Last evaluated: 2023-11-02. Review status: criteria provided, single submitter. Criteria: ACMG Guidelines, 2015. Collection method: clinical testing. Allele origin: germline.

Sema4
Classification: Likely benign for Hereditary cancer-predisposing syndrome. Last evaluated: 2021-04-23. Review status: criteria provided, single submitter. Criteria: Sema4 Curation Guidelines. Collection method: curation. Allele origin: germline.

Quest Diagnostics Nichols Institute San Juan Capistrano
Classification: Likely benign. Last evaluated: 2017-03-18. Review status: criteria provided, single submitter. Criteria: Quest Diagnostics criteria. Collection method: clinical testing. Allele origin: unknown.

Ambry Genetics
Classification: Likely benign for Hereditary cancer-predisposing syndrome. Last evaluated: 2016-02-11. Review status: criteria provided, single submitter. Criteria: Ambry Variant Classification Scheme 2023. Collection method: clinical testing. Allele origin: germline.

GeneDx
Classification: Likely benign. Last evaluated: 2015-12-28. Review status: criteria provided, single submitter. Criteria: GeneDx Variant Classification (06012015). Collection method: clinical testing. Allele origin: germline. Affected: yes.
Comment: This variant is considered likely benign or benign based on one or more of the following criteria: it is a conservative change, it occurs at a poorly conserved position in the protein, it is predicted to be benign by multiple in silico algorithms, and/or has population frequency not consistent with disease.